The following is an entry in ClinVar:

ClinVar aggregate classification (germline): Pathogenic (0 of 4 stars; one submission).

Conditions:
Wilson disease (WND). Also called: Wilson's disease. Identifiers: Orphanet 905, MedGen C0019202, MONDO:0010200, OMIM 277900. Disease mechanism: loss of function.

Submission:

Fulgent Genetics
Classification: Pathogenic for Wilson disease. Review status: no assertion criteria provided. Collection method: clinical testing. Allele origin: unknown.
Comment: This variant has been detected in individual(s) who were sent for testing of Renasight - kidney gene panel.

GRCh37/hg19 13q14.3(chr13:52548050-52549324)

Gene: ATP7B (ATPase copper transporting beta; minus strand). Cytogenetic location: 13q14.3.
Variant type: copy number loss.
Identifiers: ClinVar variation 1179167 (VCV001179167.2).